The following is an entry in ClinVar:

ClinVar aggregate classification (germline): Uncertain significance (1 of 4 stars; one submission).

Conditions:
Cardiovascular phenotype. Identifiers: MedGen CN230736.

Submission:

Ambry Genetics
Classification: Uncertain significance for Cardiovascular phenotype. Last evaluated: 2025-09-23. Review status: criteria provided, single submitter. Criteria: Ambry Variant Classification Scheme 2023. Collection method: clinical testing. Allele origin: germline.
Comment: The c.1948delG variant, located in coding exon 14 of the VCL gene, results from a deletion of one nucleotide at nucleotide position 1948, causing a translational frameshift with a predicted alternate stop codon (p.V650Lfs*16). This alteration is expected to result in protein truncation or nonsense-mediated mRNA decay. However, loss of function has not been established as a mechanism of disease. Based on the available evidence, the clinical significance of this alteration remains unclear.

NM_014000.3(VCL):c.1948del (p.Val650fs)

Gene: VCL (vinculin; plus strand). Cytogenetic location: 10q22.2.
Variant type: Deletion.
Coding change: c.1948del on transcript NM_014000.3 (MANE Select); coding-DNA position 1948, one base deleted (G; older notation c.1948delG).
Protein change: p.Val650fs; shifts the reading frame from valine 650.
Molecular consequence: frameshift variant.
Genome position (GRCh38, 1-based): chr10:74,101,023, G deleted; the last of 2 consecutive G bases (chr10:74,101,022-74,101,023); deleting either gives the same sequence. VCF-style (leftmost placement, unchanged base first): chr10-74101021-CG-C. GRCh37 (hg19) VCF-style: chr10-75860779-CG-C.
Other names: c.1948del, p.Val650fs (NM_003373.4); short protein forms V650fs.
Identifiers: ClinVar variation 4615404 (VCV004615404.1).